The following is an entry in ClinVar:

NM_001318852.2(MAPK8IP3):c.870C>T (p.Asn290=)

Gene: MAPK8IP3 (mitogen-activated protein kinase 8 interacting protein 3; plus strand). Cytogenetic location: 16p13.3.
Variant type: single nucleotide variant.
Coding change: c.870C>T on transcript NM_001318852.2 (MANE Select); coding-DNA position 870, C replaced by T.
Protein change: p.Asn290=; no amino-acid change (asparagine 290 retained).
Molecular consequence: synonymous variant.
Genome position (GRCh38, 1-based): chr16:1,747,151, C>T. VCF-style: chr16-1747151-C-T. GRCh37 (hg19) VCF-style: chr16-1797152-C-T.
Other names: c.867C>T, p.Asn289= (NM_001040439.2, NM_015133.5).
Identifiers: ClinVar variation 4533918 (VCV004533918.6).
Genomic context (GRCh38, chr16:1,747,151, plus strand): 5'-AGGCACCAAGTCCAACACGCCCACATCCTCCGTGCCCTCGGCCGCCGTCACACCCCTCAA[C>T]GAGAGCCTGCAGCCCCTGGGGGACTATGGCGTGGGCTCCAAGAACAGCAAGCGTGCCCGG-3'
Protein context (NP_001305781.1, residues 280-300): SVPSAAVTPL[Asn290=]ESLQPLGDYG

ClinVar aggregate classification (germline): Likely benign (1 of 4 stars; one submission).

Submission:

CeGaT Center for Human Genetics Tuebingen
Classification: Likely benign. Last evaluated: 2026-01-01. Review status: criteria provided, single submitter. Criteria: CeGaT Center For Human Genetics Tuebingen Variant Classification Criteria Version 2. Collection method: clinical testing. Allele origin: germline. Affected: yes. Observed: 2 variant alleles.
Comment: MAPK8IP3: BP4, BP7